The following is an entry in ClinVar:

NM_004370.6(COL12A1):c.8524-3T>G

Gene: COL12A1 (collagen type XII alpha 1 chain; minus strand). Cytogenetic location: 6q13.
Variant type: single nucleotide variant.
Coding change: c.8524-3T>G on transcript NM_004370.6 (MANE Select); 3 bases into the intron before coding-DNA position 8524, T replaced by G.
Molecular consequence: intron variant.
Genome position (GRCh38, 1-based): chr6:75,097,309, A>C on the plus strand (T>G on the coding strand, the complement: COL12A1 is on the minus strand). VCF-style: chr6-75097309-A-C. GRCh37 (hg19) VCF-style: chr6-75807025-A-C.
Other names: c.5032-3T>G (NM_080645.3).
Identifiers: ClinVar variation 2117542 (VCV002117542.4), dbSNP rs755782718, ClinGen allele CA2580075807.

ClinVar aggregate classification (germline): Uncertain significance (1 of 4 stars; one submission).

Conditions:
Ullrich congenital muscular dystrophy 2 (UCMD2). Identifiers: Orphanet 75840, MedGen C4225314, MONDO:0014654, OMIM 616470.
Bethlem myopathy 2 (BTHLM2). Identifiers: Orphanet 536516, Orphanet 610, MedGen C4225313, MONDO:0034022, OMIM 616471.

Submission:

Labcorp Genetics (formerly Invitae), Labcorp
Classification: Uncertain significance for Bethlem myopathy 2; Ullrich congenital muscular dystrophy 2. Last evaluated: 2022-09-28. Review status: criteria provided, single submitter. Criteria: Invitae Variant Classification Sherloc (09022015). Collection method: clinical testing. Allele origin: germline.
Comment: In summary, the available evidence is currently insufficient to determine the role of this variant in disease. Therefore, it has been classified as a Variant of Uncertain Significance. Variants that disrupt the consensus splice site are a relatively common cause of aberrant splicing (PMID: 17576681, 9536098). Algorithms developed to predict the effect of sequence changes on RNA splicing suggest that this variant may disrupt the consensus splice site. This variant has not been reported in the literature in individuals affected with COL12A1-related conditions. This variant is not present in population databases (gnomAD no frequency). This sequence change falls in intron 58 of the COL12A1 gene. It does not directly change the encoded amino acid sequence of the COL12A1 protein. It affects a nucleotide within the consensus splice site.

Literature cited by the submitters: PubMed 17576681; PubMed 9536098.